The following is an entry in ClinVar:

ClinVar aggregate classification (germline): Uncertain significance (1 of 4 stars; one submission).

Allele frequency attached by ClinVar (database versions not stated): gnomAD 0.00003.
gnomAD v4.1: 73 of 1,614,044 alleles (0.0045%); highest among the groups gnomAD compares: Non-Finnish European, 0.006%; no homozygotes.

Submission:

Labcorp Genetics (formerly Invitae), Labcorp
Classification: Uncertain significance. Last evaluated: 2023-12-25. Review status: criteria provided, single submitter. Criteria: Invitae Variant Classification Sherloc (09022015). Collection method: clinical testing. Allele origin: germline.
Comment: This sequence change replaces proline, which is neutral and non-polar, with arginine, which is basic and polar, at codon 610 of the ERBB4 protein (p.Pro610Arg). This variant is present in population databases (rs756272680, gnomAD 0.007%). This variant has not been reported in the literature in individuals affected with ERBB4-related conditions. ClinVar contains an entry for this variant (Variation ID: 1515888). Advanced modeling of protein sequence and biophysical properties (such as structural, functional, and spatial information, amino acid conservation, physicochemical variation, residue mobility, and thermodynamic stability) performed at Invitae indicates that this missense variant is not expected to disrupt ERBB4 protein function with a negative predictive value of 80%. In summary, the available evidence is currently insufficient to determine the role of this variant in disease. Therefore, it has been classified as a Variant of Uncertain Significance.

NM_005235.3(ERBB4):c.1829C>G (p.Pro610Arg)

Gene: ERBB4 (erb-b2 receptor tyrosine kinase 4; minus strand). Cytogenetic location: 2q34.
Variant type: single nucleotide variant.
Coding change: c.1829C>G on transcript NM_005235.3 (MANE Select); coding-DNA position 1829, C replaced by G.
Protein change: p.Pro610Arg; replaces proline 610 with arginine.
Molecular consequence: missense variant.
Genome position (GRCh38, 1-based): chr2:211,665,365, G>C on the plus strand (C>G on the coding strand, the complement: ERBB4 is on the minus strand). VCF-style: chr2-211665365-G-C. GRCh37 (hg19) VCF-style: chr2-212530090-G-C.
Other names: c.1829C>G, p.Pro610Arg (NM_001042599.2); short protein forms P610R.
Identifiers: ClinVar variation 1515888 (VCV001515888.6), dbSNP rs756272680, ClinGen allele CA2088007.
Genomic context (GRCh38, chr2:211,665,365, plus strand): 5'-GCCAGCAAGAATGCTTACCCTTGGGTGCAGTTTGGATGGCATGGGTGGCACTCCCGATCT[G>C]GATCAGCATACTTGAAAATGAAACTGTTTGCCCCCTGTAAGCCATCTGGACATTTTTCCA-3'
Protein context (NP_005226.1, residues 600-620): ANSFIFKYAD[Pro610Arg]DRECHPCHPN